The following is an entry in ClinVar:

NM_001267550.2(TTN):c.98923C>T (p.Gln32975Ter)

Genes: TTN (titin; minus strand), TTN-AS1 (TTN antisense RNA 1; plus strand). Cytogenetic location: 2q31.2.
Variant type: single nucleotide variant.
Coding change: c.98923C>T on transcript NM_001267550.2 (MANE Select); coding-DNA position 98923, C replaced by T.
Protein change: p.Gln32975Ter; replaces glutamine 32975 with a stop codon.
Molecular consequence: nonsense. On other transcripts: non-coding transcript variant (1).
Genome position (GRCh38, 1-based): chr2:178,539,012, G>A on the plus strand (C>T on the coding strand, the complement: TTN is on the minus strand). VCF-style: chr2-178539012-G-A. GRCh37 (hg19) VCF-style: chr2-179403739-G-A.
Other names: c.94000C>T, p.Gln31334Ter (NM_001256850.1); c.71728C>T, p.Gln23910Ter (NM_003319.4); c.91219C>T, p.Gln30407Ter (NM_133378.4); c.72103C>T, p.Gln24035Ter (NM_133432.3); c.72304C>T, p.Gln24102Ter (NM_133437.4); short protein forms Q24035*, Q24102*, Q30407*, Q32975*, Q23910*, Q31334*.
Identifiers: ClinVar variation 2566384 (VCV002566384.4), dbSNP rs2468746262, ClinGen allele CA349431356.
Genomic context (GRCh38, chr2:178,539,012, plus strand): 5'-GATCTTTGCAAACAACTGGTTCAGAAGCAGGGCTGGTCTCACTCAGGCCAACATCATTCT[G>A]TGCGATGATGCGGAACTGATACTCAGCATCGGGAACAAGCCCTGTGACAGTGTACATTGT-3'

ClinVar aggregate classification (germline): Likely pathogenic. Review status: criteria provided, multiple submitters, no conflicts (2 of 4 stars). 2 submissions from 2 submitters: Likely pathogenic (2). Last evaluated 2023-04-18.

Conditions:
Dilated cardiomyopathy 1G (CMD1G). Identifiers: Orphanet 154, MedGen C1858763, MONDO:0011400, OMIM 604145.
Cardiovascular phenotype. Identifiers: MedGen CN230736.

Submissions (2):

Ambry Genetics
Classification: Likely pathogenic for Cardiovascular phenotype. Last evaluated: 2023-04-18. Review status: criteria provided, single submitter. Criteria: Ambry Variant Classification Scheme 2023. Collection method: clinical testing. Allele origin: germline.
Comment: The p.Q23910* variant (also known as c.71728C>T), located in coding exon 180 of the TTN gene, results from a C to T substitution at nucleotide position 71728. This changes the amino acid from a glutamine to a stop codon within coding exon 180. This exon is located in the A-band region of the N2-B isoform of the titin protein and is constitutively expressed in TTN transcripts (percent spliced in or PSI 100%). This variant is considered to be rare based on population cohorts in the Genome Aggregation Database (gnomAD). This alteration is expected to result in loss of function by premature protein truncation or nonsense-mediated mRNA decay. While truncating variants in TTN are present in 1-3% of the general population, truncating variants in the A-band are the most common cause of dilated cardiomyopathy (DCM) (Herman DS et al. N. Engl. J. Med., 2012 Feb;366:619-28; Roberts AM et al. Sci Transl Med, 2015 Jan;7:270ra6). TTN truncating variants encoded in constitutive exons (PSI >90%) have been found to be significantly associated with DCM regardless of their position in titin (Schafer S et al. Nat. Genet., 2017 01;49:46-53). Based on the majority of available evidence to date, this variant is likely to be pathogenic.

Genomics, Clalit Research Institute, Clalit Health Care
Classification: Likely pathogenic for Dilated cardiomyopathy 1G. Review status: criteria provided, single submitter. Criteria: ACMG Guidelines, 2015. Collection method: clinical testing. Allele origin: germline. Affected: yes. Observed: 1 heterozygote.
Comment: Frequency: The variant is absent from the gnomAD reference population dataset. Variant type: Null variant in a gene where loss of function is a known mechanism of disease. Predicted to undergo NMD. (PSI 100%) Clinical evidence: This variant has previously been described in ClinVar (VCV2566384) with the following classifications: LP. PM2_support, PVS1.